The following is an entry in ClinVar:

ClinVar aggregate classification (germline): Pathogenic (1 of 4 stars; one submission).

Conditions:
Mucopolysaccharidosis type 6 (MPS6). Also called: MPS 6; Maroteaux Lamy syndrome; ARSB DEFICIENCY; ARYLSULFATASE B DEFICIENCY; MPS VI; N-ACETYLGALACTOSAMINE-4-SULFATASE DEFICIENCY. Identifiers: Orphanet 583, MedGen C0026709, MONDO:0009661, OMIM 253200.

Submission:

Labcorp Genetics (formerly Invitae), Labcorp
Classification: Pathogenic for Mucopolysaccharidosis type 6. Last evaluated: 2021-10-15. Review status: criteria provided, single submitter. Criteria: Invitae Variant Classification Sherloc (09022015). Collection method: clinical testing. Allele origin: germline.
Comment: For these reasons, this variant has been classified as Pathogenic. This variant disrupts a region of the ARSB protein in which other variant(s) (p.Trp473*) have been determined to be pathogenic (PMID: 17458871; Invitae). This suggests that this is a clinically significant region of the protein, and that variants that disrupt it are likely to be disease-causing. This variant has not been reported in the literature in individuals affected with ARSB-related conditions. This variant is a gross deletion of the genomic region encompassing exon(s) 5-8 of the ARSB gene, which includes the termination codon. This deletion extends beyond the assayed region for this gene and therefore may encompass additional genes. While this deletion is not anticipated to lead to nonsense mediated decay, it is expected to alter mRNA translation or result in a truncated protein product.

Literature cited by the submitters: PubMed 17458871.

NC_000005.9:g.(?_78076210)_(78181660_?)del

Gene: ARSB (arylsulfatase B; minus strand). Cytogenetic location: 5q14.1.
Variant type: Deletion.
Identifiers: ClinVar variation 1427846 (VCV001427846.6).